The following is an entry in ClinVar:

NM_001166108.2(PALLD):c.1301C>T (p.Thr434Ile)

Gene: PALLD (palladin, cytoskeletal associated protein; plus strand). Cytogenetic location: 4q32.3.
Variant type: single nucleotide variant.
Coding change: c.1301C>T on transcript NM_001166108.2 (MANE Select); coding-DNA position 1301, C replaced by T.
Protein change: p.Thr434Ile; replaces threonine 434 with isoleucine.
Molecular consequence: missense variant.
Genome position (GRCh38, 1-based): chr4:168,685,525, C>T. VCF-style: chr4-168685525-C-T. GRCh37 (hg19) VCF-style: chr4-169606676-C-T.
Other names: c.155C>T, p.Thr52Ile (NM_001166109.2); c.1301C>T, p.Thr434Ile (NM_016081.4); short protein forms T434I, T52I.
Identifiers: ClinVar variation 3046218 (VCV003046218.2), dbSNP rs371200706, ClinGen allele CA3135572.

ClinVar aggregate classification (germline): Uncertain significance (0 of 4 stars; one submission).

Conditions:
PALLD-related disorder. Also called: PALLD-related condition.

Allele frequency attached by ClinVar (database versions not stated): ExAC 0.00007; ESP Exome Variant Server 0.00008; gnomAD 0.00013; TOPMed 0.00014.
gnomAD v4.1: 509 of 1,612,432 alleles (0.032%); highest among the groups gnomAD compares: Non-Finnish European, 0.041%; no homozygotes.

Submission:

PreventionGenetics, part of Exact Sciences
Classification: Uncertain significance for PALLD-related condition. Last evaluated: 2024-01-20. Review status: no assertion criteria provided. Collection method: clinical testing. Allele origin: germline.
Comment: The PALLD c.1301C>T variant is predicted to result in the amino acid substitution p.Thr434Ile. To our knowledge, this variant has not been reported in the literature. This variant is reported in 0.023% of alleles in individuals of European (Non-Finnish) descent in gnomAD. Although we suspect that this variant may be benign, at this time, the clinical significance of this variant is uncertain due to the absence of conclusive functional and genetic evidence.